The following is an entry in ClinVar:

ClinVar aggregate classification (germline): Uncertain significance (1 of 4 stars; one submission).

Allele frequency attached by ClinVar (database versions not stated): ExAC 0.00007; gnomAD 0.00011; ESP Exome Variant Server 0.00015.
gnomAD v4.1: 39 of 1,613,164 alleles (0.0024%); highest among the groups gnomAD compares: African/African-American, 0.037%; no homozygotes.

Submission:

Labcorp Genetics (formerly Invitae), Labcorp
Classification: Uncertain significance. Last evaluated: 2023-10-18. Review status: criteria provided, single submitter. Criteria: Invitae Variant Classification Sherloc (09022015). Collection method: clinical testing. Allele origin: germline.
Comment: This sequence change replaces valine, which is neutral and non-polar, with isoleucine, which is neutral and non-polar, at codon 402 of the DNAAF4 protein (p.Val402Ile). This variant is present in population databases (rs200856356, gnomAD 0.07%). This variant has not been reported in the literature in individuals affected with DNAAF4-related conditions. Advanced modeling of protein sequence and biophysical properties (such as structural, functional, and spatial information, amino acid conservation, physicochemical variation, residue mobility, and thermodynamic stability) performed at Invitae indicates that this missense variant is not expected to disrupt DNAAF4 protein function. In summary, the available evidence is currently insufficient to determine the role of this variant in disease. Therefore, it has been classified as a Variant of Uncertain Significance.

NM_130810.4(DNAAF4):c.1204G>A (p.Val402Ile)

Genes: DNAAF4 (dynein axonemal assembly factor 4; minus strand), DNAAF4-CCPG1 (DNAAF4-CCPG1 readthrough (NMD candidate); minus strand). Cytogenetic location: 15q21.3.
Variant type: single nucleotide variant.
Coding change: c.1204G>A on transcript NM_130810.4 (MANE Select); coding-DNA position 1204, G replaced by A.
Protein change: p.Val402Ile; replaces valine 402 with isoleucine.
Molecular consequence: missense variant. On other transcripts: synonymous variant (1), intron variant (1).
Genome position (GRCh38, 1-based): chr15:55,430,729, C>T on the plus strand (G>A on the coding strand, the complement: DNAAF4 is on the minus strand). VCF-style: chr15-55430729-C-T. GRCh37 (hg19) VCF-style: chr15-55722927-C-T.
Other names: c.1098G>A, p.Leu366= (NM_001033559.3); c.1047+4176G>A (NM_001033560.2); short protein forms V402I.
Identifiers: ClinVar variation 2724744 (VCV002724744.1), dbSNP rs200856356, ClinGen allele CA7574780.